The following is an entry in ClinVar:

ClinVar aggregate classification (germline): Uncertain significance (1 of 4 stars; one submission).

Conditions:
Hereditary cancer-predisposing syndrome. Also called: Neoplastic Syndromes, Hereditary; Tumor predisposition; Hereditary neoplastic syndrome; Hereditary Cancer Syndrome. Identifiers: Orphanet 140162, MedGen C0027672, MeSH D009386, MONDO:0015356.

Submission:

Ambry Genetics
Classification: Uncertain significance for Hereditary cancer-predisposing syndrome. Last evaluated: 2023-02-09. Review status: criteria provided, single submitter. Criteria: Ambry Variant Classification Scheme 2023. Collection method: clinical testing. Allele origin: germline.
Comment: The p.A547S variant (also known as c.1639G>T), located in coding exon 14 of the FANCC gene, results from a G to T substitution at nucleotide position 1639. The alanine at codon 547 is replaced by serine, an amino acid with similar properties. This amino acid position is well conserved in available vertebrate species. In addition, this alteration is predicted to be tolerated by in silico analysis. Since supporting evidence is limited at this time, the clinical significance of this alteration remains unclear.

NM_000136.3(FANCC):c.1639G>T (p.Ala547Ser)

Genes: AOPEP (aminopeptidase O (putative); plus strand), FANCC (FA complementation group C; minus strand). Cytogenetic location: 9q22.32.
Variant type: single nucleotide variant.
Coding change: c.1639G>T on transcript NM_000136.3 (MANE Select); coding-DNA position 1639, G replaced by T.
Protein change: p.Ala547Ser; replaces alanine 547 with serine.
Molecular consequence: missense variant.
Genome position (GRCh38, 1-based): chr9:95,101,745, C>A on the plus strand (G>T on the coding strand, the complement: FANCC is on the minus strand). VCF-style: chr9-95101745-C-A. GRCh37 (hg19) VCF-style: chr9-97864027-C-A.
Other names: c.1639G>T, p.Ala547Ser (NM_001243743.2); short protein forms A547S.
Identifiers: ClinVar variation 2450935 (VCV002450935.2), dbSNP rs2540749459, ClinGen allele CA374104325.